The following is an entry in ClinVar:

NM_014679.5(CEP57):c.549G>C (p.Gln183His)

Gene: CEP57 (centrosomal protein 57; plus strand). Cytogenetic location: 11q21.
Variant type: single nucleotide variant.
Coding change: c.549G>C on transcript NM_014679.5 (MANE Select); coding-DNA position 549, G replaced by C.
Protein change: p.Gln183His; replaces glutamine 183 with histidine.
Molecular consequence: missense variant. On other transcripts: intron variant (7).
Genome position (GRCh38, 1-based): chr11:95,817,831, G>C. VCF-style: chr11-95817831-G-C. GRCh37 (hg19) VCF-style: chr11-95550995-G-C.
Other names: c.522G>C, p.Gln174His (NM_001243776.2); c.549G>C, p.Gln183His (NM_001243777.2, NM_001440871.1, NM_001440874.1); c.468G>C, p.Gln156His (NM_001363604.2, NM_001440869.1, NM_001440870.1 and 1 more transcripts); c.369G>C, p.Gln123His (NM_001440873.1); c.288G>C, p.Gln96His (NM_001440880.1); c.424-996G>C (NM_001440877.1, NM_001440878.1); c.505-996G>C (NM_001440872.1, NM_001440876.1, NM_001440879.1 and 1 more transcripts); c.325-996G>C (NM_001440881.1); short protein forms Q156H, Q123H, Q174H, Q183H, Q96H.
Identifiers: ClinVar variation 4741527 (VCV004741527.1).

ClinVar aggregate classification (germline): Uncertain significance (1 of 4 stars; one submission).

Conditions:
Mosaic variegated aneuploidy syndrome 2 (MVA2). Identifiers: Orphanet 1052, MedGen C3279843, MONDO:0013582, OMIM 614114.

Submission:

Labcorp Genetics (formerly Invitae), Labcorp
Classification: Uncertain significance for Mosaic variegated aneuploidy syndrome 2. Last evaluated: 2025-06-09. Review status: criteria provided, single submitter. Criteria: Invitae Variant Classification Sherloc (09022015). Collection method: clinical testing. Allele origin: germline.
Comment: This sequence change replaces glutamine, which is neutral and polar, with histidine, which is basic and polar, at codon 183 of the CEP57 protein (p.Gln183His). This variant is not present in population databases (gnomAD no frequency). This variant has not been reported in the literature in individuals affected with CEP57-related conditions. Invitae Evidence Modeling of protein sequence and biophysical properties (such as structural, functional, and spatial information, amino acid conservation, physicochemical variation, residue mobility, and thermodynamic stability) indicates that this missense variant is not expected to disrupt CEP57 protein function with a negative predictive value of 80%. In summary, the available evidence is currently insufficient to determine the role of this variant in disease. Therefore, it has been classified as a Variant of Uncertain Significance.